The following is an entry in ClinVar:

ClinVar aggregate classification (germline): Uncertain significance. Review status: criteria provided, multiple submitters, no conflicts (2 of 4 stars). 6 submissions from 6 submitters: Uncertain significance (6). Last evaluated 2025-06-26.

Conditions:
Cardiovascular phenotype. Identifiers: MedGen CN230736.
Dilated cardiomyopathy 1G (CMD1G). Identifiers: Orphanet 154, MedGen C1858763, MONDO:0011400, OMIM 604145.
Autosomal recessive limb-girdle muscular dystrophy type 2J (LGMDR10). Also called: MUSCULAR DYSTROPHY, LIMB-GIRDLE, AUTOSOMAL RECESSIVE 10; Limb-girdle muscular dystrophy, type 2J. Identifiers: Orphanet 140922, MedGen C1837342, MONDO:0012127, OMIM 608807.
Myopathy, myofibrillar, 9, with early respiratory failure (MFM9). Also called: EDSTROM MYOPATHY; MYOPATHY, PROXIMAL, WITH EARLY RESPIRATORY MUSCLE INVOLVEMENT; Myopathy, distal, with early respiratory failure, autosomal dominant; Hereditary myopathy with early respiratory failure. Identifiers: Orphanet 178464, Orphanet 34521, MedGen C1863599, MONDO:0011362, OMIM 603689.
Early-onset myopathy with fatal cardiomyopathy (CMYO5). Also called: CONGENITAL MYOPATHY 5 WITH CARDIOMYOPATHY; Salih Myopathy. Identifiers: Orphanet 289377, MedGen C2673677, MONDO:0012714, OMIM 611705. Disease mechanism: loss of function.
Hypertrophic cardiomyopathy 9. Also called: Familial hypertrophic cardiomyopathy 9. Identifiers: MedGen C1861065, MONDO:0013412, OMIM 613765.
Tibial muscular dystrophy (TMD). Also called: UDD MYOPATHY; Tibial muscular dystrophy, tardive; Udd Distal Myopathy – Tibial Muscular Dystrophy. Identifiers: Orphanet 609, MedGen C1838244, MONDO:0010870, OMIM 600334.

Allele frequency attached by ClinVar (database versions not stated): TOPMed 0.00001; ExAC 0.00002; gnomAD exomes 0.00002 and 0.00003.
gnomAD v4.1: 41 of 1,613,500 alleles (0.0025%); highest among the groups gnomAD compares: Non-Finnish European, 0.0033%; no homozygotes.

Submissions (6):

Women's Health and Genetics/Laboratory Corporation of America, LabCorp
Classification: Uncertain significance. Last evaluated: 2025-06-26. Review status: criteria provided, single submitter. Criteria: LabCorp Variant Classification Summary - May 2015. Collection method: clinical testing. Allele origin: germline.
Comment: Variant summary: TTN c.60088A>C (p.Ser20030Arg) results in a non-conservative amino acid change in the encoded protein sequence. Algorithms developed to predict the effect of missense changes on protein structure and function are either unavailable or do not agree on the potential impact of this missense change. The variant allele was found at a frequency of 1.6e-05 in 248636 control chromosomes. The available data on variant occurrences in the general population are insufficient to allow any conclusion about variant significance. To our knowledge, no occurrence of c.60088A>C in individuals affected with Autosomal Recessive Titinopathy and no experimental evidence demonstrating its impact on protein function have been reported. ClinVar contains an entry for this variant (Variation ID: 202814). Based on the evidence outlined above, the variant was classified as uncertain significance.

Revvity Omics, Revvity
Classification: Uncertain significance. Last evaluated: 2022-04-02. Review status: criteria provided, single submitter. Criteria: ACMG Guidelines, 2015. Collection method: clinical testing. Allele origin: germline.

Fulgent Genetics
Classification: Uncertain significance for Tibial muscular dystrophy; Myopathy, myofibrillar, 9, with early respiratory failure; Dilated cardiomyopathy 1G; Autosomal recessive limb-girdle muscular dystrophy type 2J; Early-onset myopathy with fatal cardiomyopathy; Hypertrophic cardiomyopathy 9. Last evaluated: 2021-10-29. Review status: criteria provided, single submitter. Criteria: ACMG Guidelines, 2015. Collection method: clinical testing. Allele origin: unknown.

Ambry Genetics
Classification: Uncertain significance for Cardiovascular phenotype. Last evaluated: 2019-12-20. Review status: criteria provided, single submitter. Criteria: Ambry Variant Classification Scheme 2023. Collection method: clinical testing. Allele origin: germline.
Comment: The p.S13533R variant (also known as c.40597A>C), located in coding exon 147 of the TTN gene, results from an A to C substitution at nucleotide position 40597. The serine at codon 13533 is replaced by arginine, an amino acid with dissimilar properties. This amino acid position is not well conserved in available vertebrate species. In addition, this alteration is predicted to be tolerated by in silico analysis. Since supporting evidence is limited at this time, the clinical significance of this alteration remains unclear.

Labcorp Genetics (formerly Invitae), Labcorp
Classification: Uncertain significance for Dilated cardiomyopathy 1G; Autosomal recessive limb-girdle muscular dystrophy type 2J. Last evaluated: 2017-11-27. Review status: criteria provided, single submitter. Criteria: Invitae Variant Classification Sherloc (09022015). Collection method: clinical testing. Allele origin: germline.

GeneDx
Classification: Uncertain significance. Last evaluated: 2014-09-04. Review status: criteria provided, single submitter. Criteria: GeneDx Variant Classification (06012015). Collection method: clinical testing. Allele origin: germline. Affected: yes.
Comment: Missense variants in the TTN gene are considered 'unclassified' if they are not previously reported in the literature and do not have >1% frequency in the population to be considered a polymorphism. Research indicates that truncating mutations in the TTN gene are expected to account for approximately 25% of familial and 18% of sporadic idiopathic DCM; however, truncating variants in the TTN gene have been reported in approximately 3% of reported control alleles. There has been little investigation into non-truncating variants. (Herman D et al. Truncations of titin causing dilated cardiomyopathy. N Eng J Med 366:619-628, 2012) The variant is found in CARDIOMYOPATHY panel(s).

NM_001267550.2(TTN):c.67792A>C (p.Ser22598Arg)

Genes: TTN (titin; minus strand), TTN-AS1 (TTN antisense RNA 1; plus strand), LOC126806423 (CDK7 strongly-dependent group 2 enhancer GRCh37_chr2:179443309-179444508; plus strand). Cytogenetic location: 2q31.2.
Variant type: single nucleotide variant.
Coding change: c.67792A>C on transcript NM_001267550.2 (MANE Select); coding-DNA position 67792, A replaced by C.
Protein change: p.Ser22598Arg; replaces serine 22598 with arginine.
Molecular consequence: missense variant.
Genome position (GRCh38, 1-based): chr2:178,579,238, T>G on the plus strand (A>C on the coding strand, the complement: TTN is on the minus strand). VCF-style: chr2-178579238-T-G. GRCh37 (hg19) VCF-style: chr2-179443965-T-G.
Other names: p.S20957R:AGT>CGT; c.60088A>C, p.Ser20030Arg (NM_133378.4); c.40972A>C, p.Ser13658Arg (NM_133432.3); c.41173A>C, p.Ser13725Arg (NM_133437.4); c.62869A>C, p.Ser20957Arg (NM_001256850.1); c.40597A>C, p.Ser13533Arg (NM_003319.4); short protein forms S20957R, S22598R, S13658R, S20030R, S13725R, S13533R.
Identifiers: ClinVar variation 202814 (VCV000202814.12), dbSNP rs775579156, ClinGen allele CA310370.